The following is an entry in ClinVar:

NC_000017.11:g.16216575_16217378del

Genes: PIGL (phosphatidylinositol glycan anchor biosynthesis class L; plus strand), LOC130060313 (ATAC-STARR-seq lymphoblastoid active region 11748; plus strand). Cytogenetic location: 17p11.2.
Variant type: Deletion.
Genome position: GRCh38: chr17:16,216,575-16,217,378. GRCh37 (hg19): chr17:16,119,889-16,120,692.
Identifiers: ClinVar variation 2093342 (VCV002093342.2), dbSNP rs2552137159, ClinGen allele CA2580092592.

ClinVar aggregate classification (germline): Uncertain significance (1 of 4 stars; one submission).

Submission:

Labcorp Genetics (formerly Invitae), Labcorp
Classification: Uncertain significance. Last evaluated: 2022-08-15. Review status: criteria provided, single submitter. Criteria: Invitae Variant Classification Sherloc (09022015). Collection method: clinical testing. Allele origin: germline.
Comment: This sequence change affects the initiator methionine of the PIGL mRNA. The next in-frame methionine is located at codon 55. This variant is not present in population databases (gnomAD no frequency). This variant has not been reported in the literature in individuals affected with PIGL-related conditions. Experimental studies and prediction algorithms are not available or were not evaluated, and the functional significance of this variant is currently unknown. In summary, the available evidence is currently insufficient to determine the role of this variant in disease. Therefore, it has been classified as a Variant of Uncertain Significance.